The following is an entry in ClinVar:

ClinVar aggregate classification (germline): Uncertain significance (1 of 4 stars; one submission).

Conditions:
Cardiovascular phenotype. Identifiers: MedGen CN230736.

gnomAD v4.1: 42 of 1,597,640 alleles (0.0026%); highest among the groups gnomAD compares: Non-Finnish European, 0.0035%; no homozygotes.

Submission:

Ambry Genetics
Classification: Uncertain significance for Cardiovascular phenotype. Last evaluated: 2023-01-18. Review status: criteria provided, single submitter. Criteria: Ambry Variant Classification Scheme 2023. Collection method: clinical testing. Allele origin: germline.
Comment: The c.4044T>G variant (also known as p.A1348A), located in coding exon 10 of the TNXB gene, results from a T to G substitution at nucleotide position 4044. This nucleotide substitution does not change the alanine at codon 1348. This nucleotide position is poorly conserved in available vertebrate species. In silico splice site analysis for this alteration is inconclusive. Since supporting evidence is limited at this time, the clinical significance of this alteration remains unclear.

NM_001365276.2(TNXB):c.4044T>G (p.Ala1348=)

Gene: TNXB (tenascin XB; minus strand). Cytogenetic location: 6p21.33.
Variant type: single nucleotide variant.
Coding change: c.4044T>G on transcript NM_001365276.2 (MANE Select); coding-DNA position 4044, T replaced by G.
Protein change: p.Ala1348=; no amino-acid change (alanine 1348 retained).
Molecular consequence: synonymous variant.
Genome position (GRCh38, 1-based): chr6:32,079,364, A>C on the plus strand (T>G on the coding strand, the complement: TNXB is on the minus strand). VCF-style: chr6-32079364-A-C. GRCh37 (hg19) VCF-style: chr6-32047141-A-C.
Other names: c.4044T>G, p.Ala1348= (NM_019105.8).
Identifiers: ClinVar variation 2451157 (VCV002451157.2), dbSNP rs571167781, ClinGen allele CA136893805.